The following is an entry in ClinVar:

NM_000447.3(PSEN2):c.1001C>G (p.Pro334Arg)

Gene: PSEN2 (presenilin 2; plus strand). Cytogenetic location: 1q42.13.
Variant type: single nucleotide variant.
Coding change: c.1001C>G on transcript NM_000447.3 (MANE Select); coding-DNA position 1001, C replaced by G.
Protein change: p.Pro334Arg; replaces proline 334 with arginine.
Molecular consequence: missense variant.
Genome position (GRCh38, 1-based): chr1:226,891,773, C>G. VCF-style: chr1-226891773-C-G. GRCh37 (hg19) VCF-style: chr1-227079474-C-G.
Other names: c.998C>G, p.Pro333Arg (NM_012486.3); short protein forms P334R, P333R.
Identifiers: ClinVar variation 97998 (VCV000097998.2), dbSNP rs63750207, ClinGen allele CA224959.
Genomic context (GRCh38, chr1:226,891,773, plus strand): 5'-GACGGACATCTTCTCTTCCTGGACACCCAGAAGAAGACTCCTATGACAGTTTTGGGGAGC[C>G]TTCATACCCCGAAGTCTTTGAGCCTCCCTTGACTGGCTACCCAGGGGAGGAGCTGGAGGA-3'
Protein context (NP_000438.2, residues 324-344): EEDSYDSFGE[Pro334Arg]SYPEVFEPPL

ClinVar aggregate classification (germline): Uncertain significance. Review status: criteria provided, multiple submitters, no conflicts (2 of 4 stars). 3 submissions from 3 submitters: Uncertain significance (2). 1 of the submissions does not count toward it. Last evaluated 2021-11-23.

Conditions:
Alzheimer disease 4 (AD4). Identifiers: Orphanet 1020, MedGen C1847200, MONDO:0011743, OMIM 606889.
Dilated cardiomyopathy 1V (CMD1V). Identifiers: Orphanet 154, MedGen C3150958, MONDO:0013373, OMIM 613697.

Allele frequency attached by ClinVar (database versions not stated): ExAC 0.00005; gnomAD exomes 0.00008; gnomAD 0.00001; TOPMed 0.00004.
gnomAD v4.1: 117 of 1,614,052 alleles (0.0072%); highest among the groups gnomAD compares: Non-Finnish European, 0.0092%; no homozygotes.

Submissions (3):

Fulgent Genetics
Classification: Uncertain significance for Alzheimer disease 4; Dilated cardiomyopathy 1V. Last evaluated: 2021-11-23. Review status: criteria provided, single submitter. Criteria: ACMG Guidelines, 2015. Collection method: clinical testing. Allele origin: unknown.

Biesecker Lab/Clinical Genomics Section, National Institutes of Health
Classification: Uncertain significance. Last evaluated: 2013-06-24. Review status: criteria provided, single submitter. Criteria: Ng et al. (Circ Cardiovasc Genet. 2013). Collection method: research. Allele origin: unknown. Observed: 1 variant allele. Study: ClinSeq.
Comment: The study set was not selected for affection status in relation to any cancer. Pathogenicity categories were based on literature curation. See Pubmed ID:23861362 for details.

Medical sequencing

VIB  Department of Molecular Genetics, University of Antwerp
No classification provided. Review status: no classification provided. Collection method: not provided. Allele origin: unknown. Not counted in ClinVar's aggregate classification.